The following is an entry in ClinVar:

NM_001258392.3(CLPB):c.873+15_873+22del

Gene: CLPB (ClpB family mitochondrial disaggregase; minus strand). Cytogenetic location: 11q13.4.
Variant type: Deletion.
Coding change: c.873+15_873+22del on transcript NM_001258392.3 (MANE Select); bases 15 to 22 of the intron after coding-DNA position 873, 8 bases deleted (AGGGAGGA; older notation c.873+15_873+22delAGGGAGGA).
Molecular consequence: intron variant.
Genome position (GRCh38, 1-based): chr11:72,329,685-72,329,692, TCCTCCCT deleted on the plus strand (AGGGAGGA on the coding strand, the reverse complement: CLPB is on the minus strand); deleting any 8 consecutive bases within chr11:72,329,685-72,329,695 gives the same sequence; the c. name uses the placement nearest the transcript's 3' end. VCF-style (leftmost placement, unchanged base first): chr11-72329684-CTCCTCCCT-C. GRCh37 (hg19) VCF-style: chr11-72040728-CTCCTCCCT-C.
Other names: c.786+15_786+22del (NM_001258393.3); c.963+15_963+22del (NM_030813.6); c.828+15_828+22del (NM_001258394.3); c.963+15_963+22delAGGGAGGA (NM_030813.6).
Identifiers: ClinVar variation 4853303 (VCV004853303.1).

ClinVar aggregate classification (germline): Likely benign (1 of 4 stars; one submission).

Submission:

Women's Health and Genetics/Laboratory Corporation of America, LabCorp
Classification: Likely benign. Last evaluated: 2026-05-28. Review status: criteria provided, single submitter. Criteria: LabCorp Variant Classification Summary - May 2015. Collection method: clinical testing. Allele origin: germline.
Comment: Variant summary: CLPB c.963+15_963+22delAGGGAGGA alters a non-conserved nucleotide located at a position not widely known to affect splicing. Consensus agreement among computation tools predict no significant impact on normal splicing. However, these predictions have yet to be confirmed by functional studies. The variant allele was found at a frequency of 4e-06 in 249616 control chromosomes. The available data on variant occurrences in the general population are insufficient to allow any conclusion about variant significance. To our knowledge, no occurrence of c.963+15_963+22delAGGGAGGA in individuals affected with CLPB-related conditions and no experimental evidence demonstrating its impact on protein function have been reported. No submitters have cited clinical-significance assessments for this variant to ClinVar. Based on the evidence outlined above, the variant was classified as likely benign.